The following is an entry in ClinVar:

ClinVar aggregate classification (germline): Likely benign. Review status: criteria provided, single submitter (1 of 4 stars). 2 submissions from 2 submitters: Likely benign (1). 1 of the submissions does not count toward it. Last evaluated 2024-03-13.

Conditions:
MYO7A-related disorder. Also called: MYO7A-related disorders.

gnomAD v4.1: 16 of 1,540,274 alleles (0.001%); highest among the groups gnomAD compares: East Asian, 0.0024%; no homozygotes.

Submissions (2):

Labcorp Genetics (formerly Invitae), Labcorp
Classification: Likely benign. Last evaluated: 2024-03-13. Review status: criteria provided, single submitter. Criteria: Invitae Variant Classification Sherloc (09022015). Collection method: clinical testing. Allele origin: germline.

PreventionGenetics, part of Exact Sciences
Classification: Likely benign for MYO7A-related condition. Last evaluated: 2023-07-22. Review status: no assertion criteria provided. Collection method: clinical testing. Allele origin: germline. Not counted in ClinVar's aggregate classification.
Comment: This variant is classified as likely benign based on ACMG/AMP sequence variant interpretation guidelines (Richards et al. 2015 PMID: 25741868, with internal and published modifications).

NM_000260.4(MYO7A):c.2523C>T (p.Leu841=)

Gene: MYO7A (myosin VIIA; plus strand). Cytogenetic location: 11q13.5.
Variant type: single nucleotide variant.
Coding change: c.2523C>T on transcript NM_000260.4 (MANE Select); coding-DNA position 2523, C replaced by T.
Protein change: p.Leu841=; no amino-acid change (leucine 841 retained).
Molecular consequence: synonymous variant.
Genome position (GRCh38, 1-based): chr11:77,179,890, C>T. VCF-style: chr11-77179890-C-T. GRCh37 (hg19) VCF-style: chr11-76890936-C-T.
Other names: c.2523C>T, p.Leu841= (NM_001127180.2); c.2490C>T, p.Leu830= (NM_001369365.1); c.2523C>T (NM_000260.3).
Identifiers: ClinVar variation 1140795 (VCV001140795.12), dbSNP rs988933838, ClinGen allele CA224841062.